The following is an entry in ClinVar:

ClinVar aggregate classification (germline): Uncertain significance (1 of 4 stars; one submission).

Allele frequency attached by ClinVar (database versions not stated): gnomAD exomes 0.00002; TOPMed 0.00002; ESP Exome Variant Server 0.00015.

Submission:

Labcorp Genetics (formerly Invitae), Labcorp
Classification: Uncertain significance. Last evaluated: 2022-10-04. Review status: criteria provided, single submitter. Criteria: Invitae Variant Classification Sherloc (09022015). Collection method: clinical testing. Allele origin: germline.
Comment: In summary, the available evidence is currently insufficient to determine the role of this variant in disease. Therefore, it has been classified as a Variant of Uncertain Significance. Algorithms developed to predict the effect of sequence changes on RNA splicing suggest that this variant may create or strengthen a splice site. This variant has not been reported in the literature in individuals affected with UNC45A-related conditions. This variant is present in population databases (rs150956911, gnomAD 0.006%). This sequence change creates a premature translational stop signal (p.Gln623*) in the UNC45A gene. It is expected to result in an absent or disrupted protein product. However, the current clinical and genetic evidence is not sufficient to establish whether loss-of-function variants in UNC45A cause disease.

NM_018671.5(UNC45A):c.1867C>T (p.Gln623Ter)

Gene: UNC45A (unc-45 myosin chaperone A; plus strand). Cytogenetic location: 15q26.1.
Variant type: single nucleotide variant.
Coding change: c.1867C>T on transcript NM_018671.5 (MANE Select); coding-DNA position 1867, C replaced by T.
Protein change: p.Gln623Ter; replaces glutamine 623 with a stop codon.
Molecular consequence: nonsense.
Genome position (GRCh38, 1-based): chr15:90,948,783, C>T. VCF-style: chr15-90948783-C-T. GRCh37 (hg19) VCF-style: chr15-91492013-C-T.
Other names: c.1822C>T, p.Gln608Ter (NM_001039675.2, NM_001323621.2); c.1867C>T, p.Gln623Ter (NM_001323619.1); c.1432C>T, p.Gln478Ter (NM_001323620.2); short protein forms Q608*, Q623*, Q478*.
Identifiers: ClinVar variation 2169420 (VCV002169420.3), dbSNP rs150956911, ClinGen allele CA7743084.